The following is an entry in ClinVar:

NM_000815.5(GABRD):c.1089C>G (p.Phe363Leu)

Gene: GABRD (gamma-aminobutyric acid type A receptor subunit delta; plus strand). Cytogenetic location: 1p36.33.
Variant type: single nucleotide variant.
Coding change: c.1089C>G on transcript NM_000815.5 (MANE Select); coding-DNA position 1089, C replaced by G.
Protein change: p.Phe363Leu; replaces phenylalanine 363 with leucine.
Molecular consequence: missense variant.
Genome position (GRCh38, 1-based): chr1:2,030,012, C>G. VCF-style: chr1-2030012-C-G. GRCh37 (hg19) VCF-style: chr1-1961451-C-G.
Other names: short protein forms F363L.
Identifiers: ClinVar variation 935784 (VCV000935784.9), dbSNP rs1359928378, ClinGen allele CA337960433.

ClinVar aggregate classification (germline): Uncertain significance (1 of 4 stars; one submission).

Conditions:
Idiopathic generalized epilepsy. Also called: EIG; Generalised epilepsy. Identifiers: MedGen C0270850, MONDO:0005579, OMIM 600669.

Submission:

Labcorp Genetics (formerly Invitae), Labcorp
Classification: Uncertain significance for Idiopathic generalized epilepsy. Last evaluated: 2025-02-24. Review status: criteria provided, single submitter. Criteria: Invitae Variant Classification Sherloc (09022015). Collection method: clinical testing. Allele origin: germline.
Comment: This sequence change replaces phenylalanine, which is neutral and non-polar, with leucine, which is neutral and non-polar, at codon 363 of the GABRD protein (p.Phe363Leu). This variant is not present in population databases (gnomAD no frequency). This variant has not been reported in the literature in individuals affected with GABRD-related conditions. ClinVar contains an entry for this variant (Variation ID: 935784). An algorithm developed to predict the effect of missense changes on protein structure and function (PolyPhen-2) suggests that this variant is likely to be tolerated. In summary, the available evidence is currently insufficient to determine the role of this variant in disease. Therefore, it has been classified as a Variant of Uncertain Significance.